The following is an entry in ClinVar:

NM_024652.6(LRRK1):c.2108C>T (p.Pro703Leu)

Gene: LRRK1 (leucine rich repeat kinase 1; plus strand). Cytogenetic location: 15q26.3.
Variant type: single nucleotide variant.
Coding change: c.2108C>T on transcript NM_024652.6 (MANE Select); coding-DNA position 2108, C replaced by T.
Protein change: p.Pro703Leu; replaces proline 703 with leucine.
Molecular consequence: missense variant.
Genome position (GRCh38, 1-based): chr15:101,024,843, C>T. VCF-style: chr15-101024843-C-T. GRCh37 (hg19) VCF-style: chr15-101565048-C-T.
Other names: c.2108C>T (NM_024652.3); short protein forms P703L.
Identifiers: ClinVar variation 1402383 (VCV001402383.6), dbSNP rs150261606, ClinGen allele CA7761131.

ClinVar aggregate classification (germline): Uncertain significance. Review status: criteria provided, multiple submitters, no conflicts (2 of 4 stars). 2 submissions from 2 submitters: Uncertain significance (2). Last evaluated 2023-05-03.

Conditions:
Inborn genetic diseases. Identifiers: MedGen C0950123, MeSH D030342.

Allele frequency attached by ClinVar (database versions not stated): ExAC 0.00002; gnomAD 0.00003 and 0.00005; gnomAD exomes 0.00003 and 0.00004; TOPMed 0.00003; 1000 Genomes Project 30x 0.00016; 1000 Genomes Project 0.00020.

Submissions (2):

Ambry Genetics
Classification: Uncertain significance for Inborn genetic diseases. Last evaluated: 2023-05-03. Review status: criteria provided, single submitter. Criteria: Ambry Variant Classification Scheme 2023. Collection method: clinical testing. Allele origin: germline.

Labcorp Genetics (formerly Invitae), Labcorp
Classification: Uncertain significance. Last evaluated: 2022-06-10. Review status: criteria provided, single submitter. Criteria: Invitae Variant Classification Sherloc (09022015). Collection method: clinical testing. Allele origin: germline.
Comment: This sequence change replaces proline, which is neutral and non-polar, with leucine, which is neutral and non-polar, at codon 703 of the LRRK1 protein (p.Pro703Leu). This variant is present in population databases (rs150261606, gnomAD 0.02%). This variant has not been reported in the literature in individuals affected with LRRK1-related conditions. Algorithms developed to predict the effect of missense changes on protein structure and function are either unavailable or do not agree on the potential impact of this missense change (SIFT: "Tolerated"; PolyPhen-2: "Probably Damaging"; Align-GVGD: "Class C0"). In summary, the available evidence is currently insufficient to determine the role of this variant in disease. Therefore, it has been classified as a Variant of Uncertain Significance.